The following is an entry in ClinVar:

ClinVar aggregate classification (germline): Likely benign (1 of 4 stars; one submission).

Allele frequency attached by ClinVar (database versions not stated): gnomAD 0.00386 and 0.00416; TOPMed 0.00428; 1000 Genomes Project 0.00479; 1000 Genomes Project 30x 0.00500.
gnomAD v4.1: 585 of 152,360 alleles (0.38%); highest among the groups gnomAD compares: African/African-American, 1.3%; 9 homozygotes.

Submission:

GeneDx
Classification: Likely benign. Last evaluated: 2018-06-14. Review status: criteria provided, single submitter. Criteria: GeneDx Variant Classification (06012015). Collection method: clinical testing. Allele origin: germline. Affected: yes.
Comment: This variant is considered likely benign or benign based on one or more of the following criteria: it is a conservative change, it occurs at a poorly conserved position in the protein, it is predicted to be benign by multiple in silico algorithms, and/or has population frequency not consistent with disease.

NM_005006.7(NDUFS1):c.1133+194C>T

Gene: NDUFS1 (NADH:ubiquinone oxidoreductase core subunit S1; minus strand). Cytogenetic location: 2q33.3.
Variant type: single nucleotide variant.
Coding change: c.1133+194C>T on transcript NM_005006.7 (MANE Select); 194 bases into the intron after coding-DNA position 1133, C replaced by T.
Molecular consequence: intron variant.
Genome position (GRCh38, 1-based): chr2:206,142,492, G>A on the plus strand (C>T on the coding strand, the complement: NDUFS1 is on the minus strand). VCF-style: chr2-206142492-G-A. GRCh37 (hg19) VCF-style: chr2-207007216-G-A.
Other names: c.800+194C>T (NM_001199982.2); c.962+194C>T (NM_001199983.2); c.1025+194C>T (NM_001199981.2); c.1175+194C>T (NM_001199984.2).
Identifiers: ClinVar variation 673222 (VCV000673222.1), dbSNP rs113010771, ClinGen allele CA63663026.